The following is an entry in ClinVar:

NM_002645.4(PIK3C2A):c.1702G>C (p.Glu568Gln)

Gene: PIK3C2A (phosphatidylinositol-4-phosphate 3-kinase catalytic subunit type 2 alpha; minus strand). Cytogenetic location: 11p15.1.
Variant type: single nucleotide variant.
Coding change: c.1702G>C on transcript NM_002645.4 (MANE Select); coding-DNA position 1702, G replaced by C.
Protein change: p.Glu568Gln; replaces glutamic acid 568 with glutamine.
Molecular consequence: missense variant.
Genome position (GRCh38, 1-based): chr11:17,145,670, C>G on the plus strand (G>C on the coding strand, the complement: PIK3C2A is on the minus strand). VCF-style: chr11-17145670-C-G. GRCh37 (hg19) VCF-style: chr11-17167217-C-G.
Other names: c.1702G>C, p.Glu568Gln (NM_001321378.2, NM_001386870.1); c.562G>C, p.Glu188Gln (NM_001321380.2); short protein forms E188Q, E568Q.
Identifiers: ClinVar variation 1914611 (VCV001914611.5), dbSNP rs149507062, ClinGen allele CA5901289.

ClinVar aggregate classification (germline): Uncertain significance (1 of 4 stars; one submission).

Allele frequency attached by ClinVar (database versions not stated): gnomAD exomes 0.00001; ExAC 0.00006; gnomAD 0.00019; TOPMed 0.00022; ESP Exome Variant Server 0.00023.
gnomAD v4.1: 40 of 1,588,746 alleles (0.0025%); highest among the groups gnomAD compares: African/African-American, 0.05%; no homozygotes.

Submission:

Labcorp Genetics (formerly Invitae), Labcorp
Classification: Uncertain significance. Last evaluated: 2025-08-15. Review status: criteria provided, single submitter. Criteria: Invitae Variant Classification Sherloc (09022015). Collection method: clinical testing. Allele origin: germline.
Comment: This sequence change replaces glutamic acid, which is acidic and polar, with glutamine, which is neutral and polar, at codon 568 of the PIK3C2A protein (p.Glu568Gln). This variant is present in population databases (rs149507062, gnomAD 0.06%). This variant has not been reported in the literature in individuals affected with PIK3C2A-related conditions. ClinVar contains an entry for this variant (Variation ID: 1914611). An algorithm developed to predict the effect of missense changes on protein structure and function (PolyPhen-2) suggests that this variant is likely to be tolerated. In summary, the available evidence is currently insufficient to determine the role of this variant in disease. Therefore, it has been classified as a Variant of Uncertain Significance.